The following is an entry in ClinVar:

ClinVar aggregate classification (germline): Conflicting classifications of pathogenicity. Review status: criteria provided, conflicting classifications (1 of 4 stars). 3 submissions from 3 submitters: Uncertain significance (2); Likely benign (1). Last evaluated 2025-12-09.

Conditions:
Cardiovascular phenotype. Identifiers: MedGen CN230736.

Allele frequency attached by ClinVar (database versions not stated): gnomAD 0.00011; ESP Exome Variant Server 0.00012.
gnomAD v4.1: 245 of 1,606,640 alleles (0.015%); highest among the groups gnomAD compares: Admixed American, 0.04%; no homozygotes.

Submissions (3):

Women's Health and Genetics/Laboratory Corporation of America, LabCorp
Classification: Uncertain significance. Last evaluated: 2025-12-09. Review status: criteria provided, single submitter. Criteria: LabCorp Variant Classification Summary - May 2015. Collection method: clinical testing. Allele origin: germline.
Comment: Variant summary: TNXB c.10451C>T (p.Thr3484Met) results in a non-conservative amino acid change in the encoded protein sequence. Algorithms developed to predict the effect of missense changes on protein structure and function are either unavailable or do not agree on the potential impact of this missense change. The variant allele was found at a frequency of 0.00013 in 244152 control chromosomes. This frequency is not significantly higher than estimated for disease-causing variants in TNXB, allowing no conclusion about variant significance. To our knowledge, no occurrence of c.10451C>T in individuals affected with TNXB-related conditions and no experimental evidence demonstrating its impact on protein function have been reported. ClinVar contains an entry for this variant (Variation ID: 1326002). Based on the evidence outlined above, the variant was classified as uncertain significance.

GeneDx
Classification: Uncertain significance. Last evaluated: 2025-07-07. Review status: criteria provided, single submitter. Criteria: GeneDx Variant Classification Process June 2021. Collection method: clinical testing. Allele origin: germline. Affected: yes.
Comment: In silico analysis suggests that this missense variant does not alter protein structure/function; Has not been previously published as pathogenic or benign to our knowledge

Ambry Genetics
Classification: Likely benign for Cardiovascular phenotype. Last evaluated: 2023-10-27. Review status: criteria provided, single submitter. Criteria: Ambry Variant Classification Scheme 2023. Collection method: clinical testing. Allele origin: germline.

NM_001365276.2(TNXB):c.10457C>T (p.Thr3486Met)

Gene: TNXB (tenascin XB; minus strand). Cytogenetic location: 6p21.33.
Variant type: single nucleotide variant.
Coding change: c.10457C>T on transcript NM_001365276.2 (MANE Select); coding-DNA position 10457, C replaced by T.
Protein change: p.Thr3486Met; replaces threonine 3486 with methionine.
Molecular consequence: missense variant.
Genome position (GRCh38, 1-based): chr6:32,046,324, G>A on the plus strand (C>T on the coding strand, the complement: TNXB is on the minus strand). VCF-style: chr6-32046324-G-A. GRCh37 (hg19) VCF-style: chr6-32014101-G-A.
Other names: c.10451C>T, p.Thr3484Met (NM_019105.8); short protein forms T3484M, T3486M.
Identifiers: ClinVar variation 1326002 (VCV001326002.9), dbSNP rs368518664, ClinGen allele CA3733221.